The following is an entry in ClinVar:

ClinVar aggregate classification (germline): Uncertain significance. Review status: criteria provided, multiple submitters, no conflicts (2 of 4 stars). 2 submissions from 2 submitters: Uncertain significance (2). Last evaluated 2024-09-20.

Conditions:
Nephronophthisis 18 (NPHP18). Identifiers: Orphanet 655, MedGen C3890591, MONDO:0014374, OMIM 615862.

Allele frequency attached by ClinVar (database versions not stated): gnomAD 0.00001; gnomAD exomes 0.00001; TOPMed 0.00002.
gnomAD v4.1: 8 of 1,612,732 alleles (0.0005%); highest among the groups gnomAD compares: South Asian, 0.0011%; no homozygotes.

Submissions (2):

GeneDx
Classification: Uncertain significance. Last evaluated: 2024-09-20. Review status: criteria provided, single submitter. Criteria: GeneDx Variant Classification Process June 2021. Collection method: clinical testing. Allele origin: germline. Affected: yes.
Comment: Not observed at significant frequency in large population cohorts (gnomAD); In silico analysis supports that this missense variant has a deleterious effect on protein structure/function; Has not been previously published as pathogenic or benign to our knowledge

Labcorp Genetics (formerly Invitae), Labcorp
Classification: Uncertain significance for Nephronophthisis 18. Last evaluated: 2021-08-16. Review status: criteria provided, single submitter. Criteria: Invitae Variant Classification Sherloc (09022015). Collection method: clinical testing. Allele origin: germline.
Comment: In summary, the available evidence is currently insufficient to determine the role of this variant in disease. Therefore, it has been classified as a Variant of Uncertain Significance. This sequence change replaces leucine with proline at codon 682 of the CEP83 protein (p.Leu682Pro). The leucine residue is highly conserved and there is a moderate physicochemical difference between leucine and proline. This variant is not present in population databases (ExAC no frequency). This variant has not been reported in the literature in individuals affected with CEP83-related conditions. Algorithms developed to predict the effect of missense changes on protein structure and function are either unavailable or do not agree on the potential impact of this missense change (SIFT: "Not Available"; PolyPhen-2: "Probably Damaging"; Align-GVGD: "Not Available").

NM_016122.3(CEP83):c.2045T>C (p.Leu682Pro)

Gene: CEP83 (centrosomal protein 83; minus strand). Cytogenetic location: 12q22.
Variant type: single nucleotide variant.
Coding change: c.2045T>C on transcript NM_016122.3 (MANE Select); coding-DNA position 2045, T replaced by C.
Protein change: p.Leu682Pro; replaces leucine 682 with proline.
Molecular consequence: missense variant. On other transcripts: non-coding transcript variant (2).
Genome position (GRCh38, 1-based): chr12:94,308,874, A>G on the plus strand (T>C on the coding strand, the complement: CEP83 is on the minus strand). VCF-style: chr12-94308874-A-G. GRCh37 (hg19) VCF-style: chr12-94702650-A-G.
Other names: c.2045T>C, p.Leu682Pro (NM_001042399.2, NM_001346457.2, NM_001368037.1 and 1 more transcripts); c.1733T>C, p.Leu578Pro (NM_001346458.2, NM_001346459.2, NM_001368039.1 and 1 more transcripts); c.2045T>C (NM_016122.2); c.1820T>C, p.Leu607Pro (NM_001368041.1); short protein forms L578P, L682P, L607P.
Identifiers: ClinVar variation 1373551 (VCV001373551.7), dbSNP rs1212565080, ClinGen allele CA386046067.